The following is an entry in ClinVar:

NM_001354930.2(RIPK1):c.977T>A (p.Val326Glu)

Gene: RIPK1 (receptor interacting serine/threonine kinase 1; plus strand). Cytogenetic location: 6p25.2.
Variant type: single nucleotide variant.
Coding change: c.977T>A on transcript NM_001354930.2 (MANE Select); coding-DNA position 977, T replaced by A.
Protein change: p.Val326Glu; replaces valine 326 with glutamic acid.
Molecular consequence: missense variant.
Genome position (GRCh38, 1-based): chr6:3,104,286, T>A. VCF-style: chr6-3104286-T-A. GRCh37 (hg19) VCF-style: chr6-3104520-T-A.
Other names: c.488T>A, p.Val163Glu (NM_001317061.3, NM_001354932.2, NM_001354933.2 and 1 more transcripts); c.839T>A, p.Val280Glu (NM_001354931.2); c.977T>A, p.Val326Glu (NM_003804.6); short protein forms V280E, V326E, V163E.
Identifiers: ClinVar variation 1473570 (VCV001473570.8), dbSNP rs2113688905, ClinGen allele CA362570231.

ClinVar aggregate classification (germline): Uncertain significance (1 of 4 stars; one submission).

gnomAD v4.1: 3 of 1,600,194 alleles (0.00019%); highest among the groups gnomAD compares: Non-Finnish European, 0.00017%; no homozygotes.

Submission:

Labcorp Genetics (formerly Invitae), Labcorp
Classification: Uncertain significance. Last evaluated: 2022-12-20. Review status: criteria provided, single submitter. Criteria: Invitae Variant Classification Sherloc (09022015). Collection method: clinical testing. Allele origin: germline.
Comment: In summary, the available evidence is currently insufficient to determine the role of this variant in disease. Therefore, it has been classified as a Variant of Uncertain Significance. Algorithms developed to predict the effect of missense changes on protein structure and function are either unavailable or do not agree on the potential impact of this missense change (SIFT: "Not Available"; PolyPhen-2: "Probably Damaging"; Align-GVGD: "Not Available"). ClinVar contains an entry for this variant (Variation ID: 1473570). This variant has not been reported in the literature in individuals affected with RIPK1-related conditions. This variant is not present in population databases (gnomAD no frequency). This sequence change replaces valine, which is neutral and non-polar, with glutamic acid, which is acidic and polar, at codon 326 of the RIPK1 protein (p.Val326Glu).